The following is an entry in ClinVar:

NM_000038.6(APC):c.358AGA[1] (p.Arg121del)

Gene: APC (APC regulator of Wnt signaling pathway; plus strand). Cytogenetic location: 5q22.2.
Variant type: Microsatellite.
Coding change: c.358AGA[1] on transcript NM_000038.6 (MANE Select); one copy of the 3-base unit AGA starting at c.358; the reference has two copies in a row; one copy, 3 bases deleted.
Protein change: p.Arg121del; deletes arginine 121.
Molecular consequence: inframe deletion. On other transcripts: 5 prime UTR variant (1), inframe indel (17).
Genome position (GRCh38, 1-based): chr5:112,767,329-112,767,331, AGA deleted; deleting any 3 consecutive bases within chr5:112,767,325-112,767,331 gives the same sequence; the position shown is the placement nearest the transcript's 3' end. VCF-style (leftmost placement, unchanged base first): chr5-112767324-CAAG-C. GRCh37 (hg19) VCF-style: chr5-112103021-CAAG-C.
Other names: c.358AGA[1], p.Arg121del (NM_001127510.3, NM_001354895.2, NM_001354896.2 and 2 more transcripts); c.388AGA[1], p.Arg131del (NM_001127511.3, NM_001354897.2, NM_001354902.2); c.283AGA[1], p.Arg96del (NM_001354898.2, NM_001354904.2); c.181AGA[1], p.Arg62del (NM_001354900.2, NM_001354901.2, NM_001354905.2); c.-678AGA[1] (NM_001354906.2); c.388_390AGA[1], p.Arg131del (NM_001407446.1); c.358_360AGA[1], p.Arg121del (NM_001407447.1, NM_001407448.1, NM_001407449.1 and 11 more transcripts); c.283_285AGA[1], p.Arg96del (NM_001407451.1); and 2 more; short protein forms R131del, R96del, R62del, R121del.
Identifiers: ClinVar variation 1733225 (VCV001733225.2), dbSNP rs2532299500, ClinGen allele CA2580613617.

ClinVar aggregate classification (germline): Uncertain significance (1 of 4 stars; one submission).

Conditions:
Hereditary cancer-predisposing syndrome. Also called: Neoplastic Syndromes, Hereditary; Tumor predisposition; Hereditary Cancer Syndrome; Hereditary neoplastic syndrome. Identifiers: Orphanet 140162, MedGen C0027672, MeSH D009386, MONDO:0015356.

Submission:

Ambry Genetics
Classification: Uncertain significance for Hereditary cancer-predisposing syndrome. Last evaluated: 2022-01-03. Review status: criteria provided, single submitter. Criteria: Ambry Variant Classification Scheme 2023. Collection method: clinical testing. Allele origin: germline.
Comment: The c.361_363delAGA variant (also known as p.R121del) is located in coding exon 3 of the APC gene. This variant results from an in-frame AGA deletion at nucleotide positions 361 to 363. This results in the in-frame deletion of an arginine at codon 121. This amino acid position is highly conserved in available vertebrate species. Since supporting evidence is limited at this time, the clinical significance of this alteration remains unclear.